The following is an entry in ClinVar:

ClinVar aggregate classification (germline): Likely pathogenic (1 of 4 stars; one submission).

Conditions:
Hereditary breast ovarian cancer syndrome. Also called: Hereditary breast and/or ovarian cancer syndrome; Hereditary breast and ovarian cancer syndrome (HBOC); Breast and ovarian cancer; Hereditary breast and ovarian cancer; BRCA1- and BRCA2-Associated Hereditary Breast and Ovarian Cancer; Hereditary breast and ovarian cancer syndrome. Identifiers: Orphanet 145, MedGen C0677776, MeSH D061325, MONDO:0003582. Disease mechanism: loss of function.

Submission:

Labcorp Genetics (formerly Invitae), Labcorp
Classification: Likely pathogenic for Hereditary breast ovarian cancer syndrome. Last evaluated: 2021-08-07. Review status: criteria provided, single submitter. Criteria: Invitae Variant Classification Sherloc (09022015). Collection method: clinical testing. Allele origin: germline.
Comment: In summary, the currently available evidence indicates that the variant is pathogenic, but additional data are needed to prove that conclusively. Therefore, this variant has been classified as Likely Pathogenic. ClinVar contains an entry for this variant (Variation ID: 267680) A similar copy number variant has been observed in individual(s) with a personal and family history of breast and/or ovarian cancer (PMID: 22160602). This variant results in a copy number gain of the genomic region encompassing exon(s) 15-16 of the BRCA2 gene. While the exact position of this variant cannot be determined from the data, sub-genic copy number gains are generally in tandem (PMID: 25640679). This variant is predicted to be out-of-frame, and may result in an absent or disrupted protein product. Loss-of-function variants in BRCA2 are known to be pathogenic (PMID: 20104584).

Literature cited by the submitters: PubMed 22160602; PubMed 25640679; PubMed 20104584.

NC_000013.11:g.(?_32356408)_(32357949_?)dup

Gene: BRCA2 (BRCA2 DNA repair associated; plus strand). Cytogenetic location: 13q13.1.
Variant type: Duplication.
Identifiers: ClinVar variation 832115 (VCV000832115.7).